The following is an entry in ClinVar:

NM_003640.5(ELP1):c.508T>G (p.Phe170Val)

Gene: ELP1 (elongator acetyltransferase complex subunit 1; minus strand). Cytogenetic location: 9q31.3.
Variant type: single nucleotide variant.
Coding change: c.508T>G on transcript NM_003640.5 (MANE Select); coding-DNA position 508, T replaced by G.
Protein change: p.Phe170Val; replaces phenylalanine 170 with valine.
Molecular consequence: missense variant. On other transcripts: 5 prime UTR variant (1).
Genome position (GRCh38, 1-based): chr9:108,922,886, A>C on the plus strand (T>G on the coding strand, the complement: ELP1 is on the minus strand). VCF-style: chr9-108922886-A-C. GRCh37 (hg19) VCF-style: chr9-111685166-A-C.
Other names: c.166T>G, p.Phe56Val (NM_001318360.2); c.-352T>G (NM_001330749.2); short protein forms F170V, F56V.
Identifiers: ClinVar variation 1800106 (VCV001800106.2), dbSNP rs2537949833, ClinGen allele CA374389353.
Genomic context (GRCh38, chr9:108,922,886, plus strand): 5'-ATCAAACCAAACTTACCATTTGCATCTGAAAAGCTGCTTGTCTGCCTTCTGATCCATGGA[A>C]CTGTGTCTCCTTCCTACCCCATCCAACAGTGATAAACTTGCCTACAGAACAATTGGCAAG-3'
Protein context (NP_003631.2, residues 160-180): TVGWGRKETQ[Phe170Val]HGSEGRQAAF

ClinVar aggregate classification (germline): Uncertain significance (1 of 4 stars; one submission).

Allele frequency attached by ClinVar (database versions not stated): gnomAD exomes below 0.00001.
gnomAD v4.1: 1 of 1,614,096 alleles (0.000062%); highest among the groups gnomAD compares: African/African-American, 0.0013%; no homozygotes.

Submission:

Ambry Genetics
Classification: Uncertain significance. Last evaluated: 2022-08-07. Review status: criteria provided, single submitter. Criteria: Ambry Variant Classification Scheme 2023. Collection method: clinical testing. Allele origin: germline.
Comment: The p.F170V variant (also known as c.508T>G), located in coding exon 5 of the IKBKAP gene, results from a T to G substitution at nucleotide position 508. The phenylalanine at codon 170 is replaced by valine, an amino acid with highly similar properties. This amino acid position is conserved. In addition, this alteration is predicted to be deleterious by in silico analysis. Since supporting evidence is limited at this time, the clinical significance of this alteration remains unclear.